The following is an entry in ClinVar:

ClinVar aggregate classification (germline): Uncertain significance. Review status: criteria provided, multiple submitters, no conflicts (2 of 4 stars). 2 submissions from 2 submitters: Uncertain significance (2). Last evaluated 2024-05-17.

Conditions:
Mitochondrial complex IV deficiency, nuclear type 3. Also called: Mitochondrial complex 4 deficiency, nuclear type 3. Identifiers: MedGen C5436682, MONDO:0033635, OMIM 619046.

Allele frequency attached by ClinVar (database versions not stated): gnomAD 0.00001; TOPMed 0.00002; ExAC 0.00007; gnomAD exomes 0.00008; 1000 Genomes Project 30x 0.00031; 1000 Genomes Project 0.00040.
gnomAD v4.1: 44 of 1,614,134 alleles (0.0027%); highest among the groups gnomAD compares: South Asian, 0.046%; 1 homozygote.

Submissions (3):

Fulgent Genetics
Classification: Uncertain significance for Mitochondrial complex IV deficiency, nuclear type 3. Last evaluated: 2024-05-17. Review status: criteria provided, single submitter. Criteria: ACMG Guidelines, 2015. Collection method: clinical testing. Allele origin: germline.

Eurofins Ntd Llc (ga)
Classification: Uncertain significance. Last evaluated: 2016-11-07. Review status: criteria provided, single submitter. Criteria: EGL Classification Definitions 2015. Collection method: clinical testing. Allele origin: germline. Observed: 1 variant allele, 1 heterozygote.

Johnston Lab, North Central College
No classification provided (evidence only). Review status: no classification provided. Collection method: in vitro. Allele origin: not applicable. Functional consequence: functionally_normal. Not counted in ClinVar's aggregate classification.
ClinVar note: "not provided" was previously submitted as the classification for the variant. However, the classification appeared to be based only on an observation of functional data so it was converted to no classification on 2025-07-30.

NM_001303.4(COX10):c.307T>G (p.Ser103Ala)

Gene: COX10 (cytochrome c oxidase assembly factor heme A:farnesyltransferase COX10; plus strand). Cytogenetic location: 17p12.
Variant type: single nucleotide variant.
Coding change: c.307T>G on transcript NM_001303.4 (MANE Select); coding-DNA position 307, T replaced by G.
Protein change: p.Ser103Ala; replaces serine 103 with alanine.
Molecular consequence: missense variant.
Genome position (GRCh38, 1-based): chr17:14,076,864, T>G. VCF-style: chr17-14076864-T-G. GRCh37 (hg19) VCF-style: chr17-13980181-T-G.
Other names: short protein forms S103A.
Identifiers: ClinVar variation 498097 (VCV000498097.9), dbSNP rs200480915, ClinGen allele CA8402294.